The following is an entry in ClinVar:

ClinVar aggregate classification (germline): Likely benign (1 of 4 stars; one submission).

Conditions:
BBS7-related disorder. Also called: BBS7-related condition.

gnomAD v4.1: 15 of 1,613,876 alleles (0.00093%); highest among the groups gnomAD compares: Non-Finnish European, 0.0012%; no homozygotes.

Submission:

PreventionGenetics, part of Exact Sciences
Classification: Likely benign for BBS7-related condition. Last evaluated: 2024-12-11. Review status: criteria provided, single submitter. Criteria: ACMG Guidelines, 2015. Collection method: clinical testing. Allele origin: germline.
Comment: This variant is classified as likely benign based on ACMG/AMP sequence variant interpretation guidelines (Richards et al. 2015 PMID: 25741868, with internal and published modifications).

NM_176824.3(BBS7):c.1440C>T (p.Thr480=)

Gene: BBS7 (Bardet-Biedl syndrome 7; minus strand). Cytogenetic location: 4q27.
Variant type: single nucleotide variant.
Coding change: c.1440C>T on transcript NM_176824.3 (MANE Select); coding-DNA position 1440, C replaced by T.
Protein change: p.Thr480=; no amino-acid change (threonine 480 retained).
Molecular consequence: synonymous variant.
Genome position (GRCh38, 1-based): chr4:121,835,215, G>A on the plus strand (C>T on the coding strand, the complement: BBS7 is on the minus strand). VCF-style: chr4-121835215-G-A. GRCh37 (hg19) VCF-style: chr4-122756370-G-A.
Other names: c.1440C>T, p.Thr480= (NM_018190.4).
Identifiers: ClinVar variation 5000111 (VCV005000111.1).